The following is an entry in ClinVar:

NM_006013.5(RPL10):c.285C>T (p.His95=)

Gene: RPL10 (ribosomal protein L10; plus strand). Cytogenetic location: Xq28.
Variant type: single nucleotide variant.
Coding change: c.285C>T on transcript NM_006013.5 (MANE Select); coding-DNA position 285, C replaced by T.
Protein change: p.His95=; no amino-acid change (histidine 95 retained).
Molecular consequence: synonymous variant.
Genome position (GRCh38, 1-based): chrX:154,399,897, C>T. VCF-style: chrX-154399897-C-T. GRCh37 (hg19) VCF-style: chrX-153628238-C-T.
Other names: c.285C>T, p.His95= (NM_001256577.2, NM_001303624.2, NM_001303625.1 and 1 more transcripts); c.177C>T, p.His59= (NM_001256580.2).
Identifiers: ClinVar variation 4823875 (VCV004823875.4).

ClinVar aggregate classification (germline): Likely benign (1 of 4 stars; one submission).

gnomAD v4.1: 21 of 1,210,736 alleles (0.0017%); highest among the groups gnomAD compares: Non-Finnish European, 0.0022%; no homozygotes.

Submission:

CeGaT Center for Human Genetics Tuebingen
Classification: Likely benign. Last evaluated: 2026-02-01. Review status: criteria provided, single submitter. Criteria: CeGaT Center For Human Genetics Tuebingen Variant Classification Criteria Version 2. Collection method: clinical testing. Allele origin: germline. Affected: yes. Observed: 1 variant allele.
Comment: RPL10: BP4, BP7, BS2